The following is an entry in ClinVar:

NM_001184880.2(PCDH19):c.1081A>G (p.Ser361Gly)

Gene: PCDH19 (protocadherin 19; minus strand). Cytogenetic location: Xq22.1.
Variant type: single nucleotide variant.
Coding change: c.1081A>G on transcript NM_001184880.2 (MANE Select); coding-DNA position 1081, A replaced by G.
Protein change: p.Ser361Gly; replaces serine 361 with glycine.
Molecular consequence: missense variant.
Genome position (GRCh38, 1-based): chrX:100,407,517, T>C on the plus strand (A>G on the coding strand, the complement: PCDH19 is on the minus strand). VCF-style: chrX-100407517-T-C. GRCh37 (hg19) VCF-style: chrX-99662515-T-C.
Other names: c.1081A>G, p.Ser361Gly (NM_001105243.2, NM_020766.3); short protein forms S361G.
Identifiers: ClinVar variation 2661028 (VCV002661028.24), dbSNP rs2520986176, ClinGen allele CA414004355.

ClinVar aggregate classification (germline): Uncertain significance (1 of 4 stars; one submission).

Submission:

CeGaT Center for Human Genetics Tuebingen
Classification: Uncertain significance. Last evaluated: 2023-06-01. Review status: criteria provided, single submitter. Criteria: CeGaT Center For Human Genetics Tuebingen Variant Classification Criteria Version 2. Collection method: clinical testing. Allele origin: germline. Affected: yes. Observed: 1 variant allele.
Comment: PCDH19: PM2, PP2, BP4